The following is an entry in ClinVar:

ClinVar aggregate classification (germline): Benign/Likely benign. Review status: criteria provided, multiple submitters, no conflicts (2 of 4 stars). 3 submissions from 3 submitters: Benign (1); Likely benign (2). Last evaluated 2026-01-28.

Conditions:
Landau-Kleffner syndrome (FESD). Also called: EPILEPSY, FOCAL, WITH SPEECH DISORDER AND WITH OR WITHOUT MENTAL RETARDATION; APHASIA, ACQUIRED, WITH EPILEPSY. Identifiers: Orphanet 1945, Orphanet 725, Orphanet 98818, MedGen C0282512, MONDO:0009509, OMIM 245570.

Allele frequency attached by ClinVar (database versions not stated): gnomAD exomes 0.00020 and 0.00045; gnomAD 0.00024 and 0.00026; TOPMed 0.00029; ExAC 0.00021; ESP Exome Variant Server 0.00023.
gnomAD v4.1: 670 of 1,562,044 alleles (0.043%); highest among the groups gnomAD compares: Non-Finnish European, 0.055%; 1 homozygote.

Submissions (3):

Labcorp Genetics (formerly Invitae), Labcorp
Classification: Likely benign for Landau-Kleffner syndrome. Last evaluated: 2026-01-28. Review status: criteria provided, single submitter. Criteria: Invitae Variant Classification Sherloc (09022015). Collection method: clinical testing. Allele origin: germline.

Blueprint Genetics
Classification: Likely benign. Last evaluated: 2024-09-12. Review status: criteria provided, single submitter. Criteria: ACMG Guidelines, 2015. Collection method: clinical testing. Allele origin: germline.

GeneDx
Classification: Benign. Last evaluated: 2015-07-14. Review status: criteria provided, single submitter. Criteria: GeneDx Variant Classification (06012015). Collection method: clinical testing. Allele origin: germline. Affected: yes.
Comment: This variant is considered likely benign or benign based on one or more of the following criteria: it is a conservative change, it occurs at a poorly conserved position in the protein, it is predicted to be benign by multiple in silico algorithms, and/or has population frequency not consistent with disease.

NM_001134407.3(GRIN2A):c.2007+16T>C

Gene: GRIN2A (glutamate ionotropic receptor NMDA type subunit 2A; minus strand). Cytogenetic location: 16p13.2.
Variant type: single nucleotide variant.
Coding change: c.2007+16T>C on transcript NM_001134407.3 (MANE Select); 16 bases into the intron after coding-DNA position 2007, T replaced by C.
Molecular consequence: intron variant.
Genome position (GRCh38, 1-based): chr16:9,829,407, A>G on the plus strand (T>C on the coding strand, the complement: GRIN2A is on the minus strand). VCF-style: chr16-9829407-A-G. GRCh37 (hg19) VCF-style: chr16-9923264-A-G.
Other names: c.2007+16T>C (NM_001134408.2, NM_000833.5).
Identifiers: ClinVar variation 377939 (VCV000377939.14), dbSNP rs371738664, ClinGen allele CA7896613.